The following is an entry in ClinVar:

ClinVar aggregate classification (germline): Benign/Likely benign. Review status: criteria provided, multiple submitters, no conflicts (2 of 4 stars). 2 submissions from 2 submitters: Benign (1); Likely benign (1). Last evaluated 2024-03-08.

Conditions:
Familial adenomatous polyposis 1 (FAP1). Also called: POLYPOSIS, ADENOMATOUS INTESTINAL; FAMILIAL ADENOMATOUS POLYPOSIS 1, ATTENUATED. Identifiers: MedGen C2713442, MONDO:0021056, OMIM 175100. Disease mechanism: loss of function.

Submissions (2):

Myriad Genetics, Inc.
Classification: Benign for Familial adenomatous polyposis 1. Last evaluated: 2024-03-08. Review status: criteria provided, single submitter. Criteria: Myriad Autosomal Dominant, Autosomal Recessive and X-Linked Classification Criteria (2023). Collection method: clinical testing. Allele origin: unknown.
Comment: This variant is considered benign. This variant is a silent/synonymous amino acid change and it is not expected to impact splicing.

Labcorp Genetics (formerly Invitae), Labcorp
Classification: Likely benign for Familial adenomatous polyposis 1. Last evaluated: 2023-10-15. Review status: criteria provided, single submitter. Criteria: Invitae Variant Classification Sherloc (09022015). Collection method: clinical testing. Allele origin: germline.

NM_000038.6(APC):c.2004C>T (p.His668=)

Gene: APC (APC regulator of Wnt signaling pathway; plus strand). Cytogenetic location: 5q22.2.
Variant type: single nucleotide variant.
Coding change: c.2004C>T on transcript NM_000038.6 (MANE Select); coding-DNA position 2004, C replaced by T.
Protein change: p.His668=; no amino-acid change (histidine 668 retained).
Molecular consequence: synonymous variant.
Genome position (GRCh38, 1-based): chr5:112,837,598, C>T. VCF-style: chr5-112837598-C-T. GRCh37 (hg19) VCF-style: chr5-112173295-C-T.
Other names: c.2004C>T, p.His668= (NM_001127510.3, NM_001354895.2); c.1950C>T, p.His650= (NM_001127511.3); c.2058C>T, p.His686= (NM_001354896.2); c.2034C>T, p.His678= (NM_001354897.2); c.1929C>T, p.His643= (NM_001354898.2); c.1920C>T, p.His640= (NM_001354899.2); c.1881C>T, p.His627= (NM_001354900.2); c.1827C>T, p.His609= (NM_001354901.2); and 5 more.
Identifiers: ClinVar variation 1555144 (VCV001555144.9), dbSNP rs1380127485, ClinGen allele CA445963313.